The following is an entry in ClinVar:

ClinVar aggregate classification (germline): Uncertain significance. Review status: criteria provided, multiple submitters, no conflicts (2 of 4 stars). 4 submissions from 4 submitters: Uncertain significance (4). Last evaluated 2025-03-05.

Conditions:
Melnick-Needles syndrome (MNS). Also called: MELNICK-NEEDLES OSTEODYSPLASTY; OSTEODYSPLASTY OF MELNICK AND NEEDLES; Melnick-Needles Syndrome (FLNA-MNS). Identifiers: Orphanet 2484, MedGen C0025237, MONDO:0010650, OMIM 309350.
Heterotopia, periventricular, X-linked dominant (PVNH1). Also called: PERIVENTRICULAR NODULAR HETEROTOPIA 1; X-linked periventricular heterotopia; PERIVENTRICULAR NODULAR HETEROTOPIA 4; HETEROTOPIA, PERIVENTRICULAR, 1. Identifiers: Orphanet 2149, Orphanet 82004, MedGen C1848213, MONDO:0010233, OMIM 300049.
Frontometaphyseal dysplasia (FMD1). Identifiers: Orphanet 1826, MedGen C0265293, MONDO:0015942.
Oto-palato-digital syndrome, type II (OPD2). Also called: FACIOPALATOOSSEOUS SYNDROME; OPD II SYNDROME; Otopalatodigital Syndrome, Type II; Otopalatodigital Syndrome Type 2 (FLNA-OPD2). Identifiers: Orphanet 669, Orphanet 90652, MedGen C1844696, MONDO:0010571, OMIM 304120.
FLNA-related disorder.
FG syndrome 2 (FGS2). Identifiers: MedGen C1845902, MONDO:0010297, OMIM 300321.

Allele frequency attached by ClinVar (database versions not stated): gnomAD exomes below 0.00001; TOPMed 0.00001.
gnomAD v4.1: 5 of 1,209,564 alleles (0.00041%); highest among the groups gnomAD compares: Middle Eastern, 0.023%; no homozygotes.

Submissions (4):

Labcorp Genetics (formerly Invitae), Labcorp
Classification: Uncertain significance for Oto-palato-digital syndrome, type II; Heterotopia, periventricular, X-linked dominant; Frontometaphyseal dysplasia; Melnick-Needles syndrome. Last evaluated: 2025-03-05. Review status: criteria provided, single submitter. Criteria: Invitae Variant Classification Sherloc (09022015). Collection method: clinical testing. Allele origin: germline.
Comment: This sequence change replaces alanine, which is neutral and non-polar, with threonine, which is neutral and polar, at codon 1086 of the FLNA protein (p.Ala1086Thr). This variant is not present in population databases (gnomAD no frequency). This variant has not been reported in the literature in individuals affected with FLNA-related conditions. ClinVar contains an entry for this variant (Variation ID: 816867). Invitae Evidence Modeling of protein sequence and biophysical properties (such as structural, functional, and spatial information, amino acid conservation, physicochemical variation, residue mobility, and thermodynamic stability) indicates that this missense variant is not expected to disrupt FLNA protein function with a negative predictive value of 95%. In summary, the available evidence is currently insufficient to determine the role of this variant in disease. Therefore, it has been classified as a Variant of Uncertain Significance.

PreventionGenetics, part of Exact Sciences
Classification: Uncertain significance for FLNA-related condition. Last evaluated: 2025-02-24. Review status: criteria provided, single submitter. Criteria: ACMG Guidelines, 2015. Collection method: clinical testing. Allele origin: germline.
Comment: The FLNA c.3256G>A variant is predicted to result in the amino acid substitution p.Ala1086Thr. To our knowledge, this variant has not been reported in the literature or in a large population database (gnomAD), indicating this variant is rare. At this time, the clinical significance of this variant is uncertain due to the absence of conclusive functional and genetic evidence.

Blueprint Genetics
Classification: Uncertain significance. Last evaluated: 2023-02-07. Review status: criteria provided, single submitter. Criteria: ACMG Guidelines, 2015. Collection method: clinical testing. Allele origin: germline.

Genomic Medicine Lab, University of California San Francisco
Classification: Uncertain significance for FG syndrome 2. Last evaluated: 2017-11-03. Review status: criteria provided, single submitter. Criteria: ACMG Guidelines, 2015. Collection method: clinical testing. Allele origin: maternal. Inheritance: X-linked inheritance. Study: CSER.

NM_001110556.2(FLNA):c.3256G>A (p.Ala1086Thr)

Gene: FLNA (filamin A; minus strand). Cytogenetic location: Xq28.
Variant type: single nucleotide variant.
Coding change: c.3256G>A on transcript NM_001110556.2 (MANE Select); coding-DNA position 3256, G replaced by A.
Protein change: p.Ala1086Thr; replaces alanine 1086 with threonine.
Molecular consequence: missense variant.
Genome position (GRCh38, 1-based): chrX:154,360,539, C>T on the plus strand (G>A on the coding strand, the complement: FLNA is on the minus strand). VCF-style: chrX-154360539-C-T. GRCh37 (hg19) VCF-style: chrX-153588907-C-T.
Other names: c.3256G>A (NM_001110556.1); c.3256G>A, p.Ala1086Thr (NM_001456.4); short protein forms A1086T.
Identifiers: ClinVar variation 816867 (VCV000816867.9), dbSNP rs782632029, ClinGen allele CA415229186.
Genomic context (GRCh38, chrX:154,360,539, plus strand): 5'-CCTCCACCGTCAGGCCCAGGCCACCTGTGCCGGCGCCCTTGGTGTCGATGGTGAAGCGGG[C>T]GGGGGAGCCCGCACTGCCTCCCTGCAGCCCCGGCCCAAACGCCTTCACCTGAGGGAAGAA-3'
Protein context (NP_001104026.1, residues 1076-1096): GLQGGSAGSP[Ala1086Thr]RFTIDTKGAG